The following is an entry in ClinVar:

ClinVar aggregate classification (germline): Uncertain significance. Review status: criteria provided, multiple submitters, no conflicts (2 of 4 stars). 4 submissions from 4 submitters: Uncertain significance (4). Last evaluated 2025-10-31.

Conditions:
Retinoblastoma (RB1). Also called: RETINOBLASTOMA, SOMATIC. Identifiers: Orphanet 790, MedGen C0035335, MeSH D012175, MONDO:0008380, OMIM 180200, HP:0009919. Disease mechanism: loss of function. Inheritance: Both sporadic and heritable forms are tested..
Hereditary cancer-predisposing syndrome. Also called: Neoplastic Syndromes, Hereditary; Tumor predisposition; Hereditary Cancer Syndrome; Hereditary neoplastic syndrome. Identifiers: Orphanet 140162, MedGen C0027672, MeSH D009386, MONDO:0015356.

Submissions (4):

Ambry Genetics
Classification: Uncertain significance for Hereditary cancer-predisposing syndrome. Last evaluated: 2025-10-31. Review status: criteria provided, single submitter. Criteria: Ambry Variant Classification Scheme 2023. Collection method: clinical testing. Allele origin: germline.
Comment: The p.T5P variant (also known as c.13A>C), located in coding exon 1 of the RB1 gene, results from an A to C substitution at nucleotide position 13. The threonine at codon 5 is replaced by proline, an amino acid with highly similar properties. This amino acid position is not well conserved in available vertebrate species. In addition, the in silico prediction for this alteration is inconclusive. Based on the available evidence, the clinical significance of this variant remains unclear.

Center for Genomic Medicine, Rigshospitalet, Copenhagen University Hospital
Classification: Uncertain significance. Last evaluated: 2025-03-04. Review status: criteria provided, single submitter. Criteria: ACMG Guidelines, 2015. Collection method: clinical testing. Allele origin: germline.

All of Us Research Program, National Institutes of Health
Classification: Uncertain significance for Retinoblastoma. Last evaluated: 2024-08-06. Review status: criteria provided, single submitter. Criteria: ACMG Guidelines, 2015. Collection method: clinical testing. Allele origin: germline. Inheritance: Autosomal dominant inheritance. Observed: 2 variant alleles, 2 heterozygotes.
Comment: This study involves interpretation of variants in research participants for the purpose of population health screening. Participant phenotype was not available at the time of variant classification. Additional details can be found in publication PMID: 35346344, PMCID: PMC8962531

Labcorp Genetics (formerly Invitae), Labcorp
Classification: Uncertain significance for Retinoblastoma. Last evaluated: 2023-08-30. Review status: criteria provided, single submitter. Criteria: Invitae Variant Classification Sherloc (09022015). Collection method: clinical testing. Allele origin: germline.
Comment: In summary, the available evidence is currently insufficient to determine the role of this variant in disease. Therefore, it has been classified as a Variant of Uncertain Significance. Advanced modeling of protein sequence and biophysical properties (such as structural, functional, and spatial information, amino acid conservation, physicochemical variation, residue mobility, and thermodynamic stability) has been performed at Invitae for this missense variant, however the output from this modeling did not meet the statistical confidence thresholds required to predict the impact of this variant on RB1 protein function. ClinVar contains an entry for this variant (Variation ID: 527924). This variant has not been reported in the literature in individuals affected with RB1-related conditions. This variant is not present in population databases (gnomAD no frequency). This sequence change replaces threonine, which is neutral and polar, with proline, which is neutral and non-polar, at codon 5 of the RB1 protein (p.Thr5Pro).

NM_000321.3(RB1):c.13A>C (p.Thr5Pro)

Gene: RB1 (RB transcriptional corepressor 1; plus strand). Cytogenetic location: 13q14.2.
Variant type: single nucleotide variant.
Coding change: c.13A>C on transcript NM_000321.3 (MANE Select); coding-DNA position 13, A replaced by C.
Protein change: p.Thr5Pro; replaces threonine 5 with proline.
Molecular consequence: missense variant.
Genome position (GRCh38, 1-based): chr13:48,303,925, A>C. VCF-style: chr13-48303925-A-C. GRCh37 (hg19) VCF-style: chr13-48878061-A-C.
Other names: short protein forms T5P.
Identifiers: ClinVar variation 527924 (VCV000527924.13), dbSNP rs898303682, ClinGen allele CA249842021.